The following is an entry in ClinVar:

NC_000014.8:g.(?_57268453)_(57272174_?)dup

Gene: OTX2 (orthodenticle homeobox 2; minus strand). Cytogenetic location: 14q22.3.
Variant type: Duplication.
Identifiers: ClinVar variation 2427492 (VCV002427492.5).

ClinVar aggregate classification (germline): Pathogenic (1 of 4 stars; one submission).

Conditions:
Anophthalmia-microphthalmia syndrome. Also called: Anophthalmia/Microphthalmia; Anophthalmia - microphthalmia. Identifiers: Orphanet 98555, MedGen C5680330, MONDO:0020147.

Submission:

Labcorp Genetics (formerly Invitae), Labcorp
Classification: Pathogenic for Anophthalmia-microphthalmia syndrome. Last evaluated: 2023-04-08. Review status: criteria provided, single submitter. Criteria: Invitae Variant Classification Sherloc (09022015). Collection method: clinical testing. Allele origin: germline.
Comment: A similar copy number variant has been observed in individuals with oculo-auriculo-vertebral spectrum and/or pituitary hormone deficiency (PMID: 32796691, 36368868). It has also been observed to segregate with disease in related individuals. For these reasons, this variant has been classified as Pathogenic. A copy number gain of the genomic region encompassing the full coding sequence of the OTX2 gene has been identified. The boundaries of this event are unknown as they extend beyond the assayed region for this gene and therefore may encompass additional genes. As the precise location of this event is unknown, it may be in tandem or it may be located elsewhere in the genome.

Literature cited by the submitters: PubMed 32796691; PubMed 36368868.